The following is an entry in ClinVar:

NM_001035.3(RYR2):c.13604C>T (p.Thr4535Met)

Gene: RYR2 (ryanodine receptor 2; plus strand). Cytogenetic location: 1q43.
Variant type: single nucleotide variant.
Coding change: c.13604C>T on transcript NM_001035.3 (MANE Select); coding-DNA position 13604, C replaced by T.
Protein change: p.Thr4535Met; replaces threonine 4535 with methionine.
Molecular consequence: missense variant.
Genome position (GRCh38, 1-based): chr1:237,792,145, C>T. VCF-style: chr1-237792145-C-T. GRCh37 (hg19) VCF-style: chr1-237955445-C-T.
Other names: short protein forms T4535M.
Identifiers: ClinVar variation 846035 (VCV000846035.14), dbSNP rs756839134, ClinGen allele CA085422.

ClinVar aggregate classification (germline): Conflicting classifications of pathogenicity. Review status: criteria provided, conflicting classifications (1 of 4 stars). 3 submissions from 3 submitters: Uncertain significance (1); Likely benign (2). Last evaluated 2025-12-02.

Conditions:
Cardiomyopathy (CMYO). Also called: Cardiomyopathies. Identifiers: Orphanet 167848, MedGen C0878544, MONDO:0004994, HP:0001638. Inheritance: Various modes of inheritance.
Catecholaminergic polymorphic ventricular tachycardia 1. Also called: VENTRICULAR TACHYCARDIA, CATECHOLAMINERGIC POLYMORPHIC, 1, WITH OR WITHOUT ATRIAL DYSFUNCTION AND/OR DILATED CARDIOMYOPATHY; VENTRICULAR TACHYCARDIA, STRESS-INDUCED POLYMORPHIC 1; RYR2-Related Catecholaminergic Polymorphic Ventricular Tachycardia. Identifiers: Orphanet 3286, MedGen C1631597, MONDO:0011484, OMIM 604772.
Catecholaminergic polymorphic ventricular tachycardia (CVPT). Also called: Catecholamine-induced polymorphic ventricular tachycardia. Identifiers: Orphanet 3286, MedGen C5574922, MONDO:0017990.

Allele frequency attached by ClinVar (database versions not stated): gnomAD exomes below 0.00001; gnomAD 0.00001 and 0.00004; ExAC 0.00002; TOPMed 0.00002; 1000 Genomes Project 30x 0.00016.
gnomAD v4.1: 25 of 1,608,168 alleles (0.0016%); highest among the groups gnomAD compares: Admixed American, 0.025%; 1 homozygote.

Submissions (3):

Labcorp Genetics (formerly Invitae), Labcorp
Classification: Likely benign for Catecholaminergic polymorphic ventricular tachycardia 1. Last evaluated: 2025-12-02. Review status: criteria provided, single submitter. Criteria: Invitae Variant Classification Sherloc (09022015). Collection method: clinical testing. Allele origin: germline.

Color Diagnostics, LLC DBA Color Health
Classification: Likely benign for Cardiomyopathy. Last evaluated: 2025-07-14. Review status: criteria provided, single submitter. Criteria: ACMG Guidelines, 2015. Collection method: clinical testing. Allele origin: germline.

All of Us Research Program, National Institutes of Health
Classification: Uncertain significance for Catecholaminergic polymorphic ventricular tachycardia. Last evaluated: 2024-02-05. Review status: criteria provided, single submitter. Criteria: ACMG Guidelines, 2015. Collection method: clinical testing. Allele origin: germline. Inheritance: Autosomal dominant inheritance. Observed: 8 variant alleles, 8 heterozygotes.
Comment: This missense variant replaces threonine with methionine at codon 4535 of the RYR2 protein. Computational prediction suggests that this variant may not impact protein structure and function (internally defined REVEL score threshold <= 0.5, PMID: 27666373). To our knowledge, functional studies have not been reported for this variant. This variant has been reported in a sudden cardiac arrest survivor (PMID: 29884292). This variant has been identified in 1/239248 chromosomes in the general population by the Genome Aggregation Database (gnomAD). The available evidence is insufficient to determine the role of this variant in disease conclusively. Therefore, this variant is classified as a Variant of Uncertain Significance.

This study involves interpretation of variants in research participants for the purpose of population health screening. Participant phenotype was not available at the time of variant classification. Additional details can be found in publication PMID: 35346344, PMCID: PMC8962531

Literature cited by the submitters: PubMed 29884292 (cited by All of Us Research Program, National Institutes of Health).